The following is an entry in ClinVar:

ClinVar aggregate classification (germline): Uncertain significance. Review status: criteria provided, multiple submitters, no conflicts (2 of 4 stars). 2 submissions from 2 submitters: Uncertain significance (2). Last evaluated 2023-02-16.

Conditions:
Osteogenesis imperfecta type I (OI1). Also called: Lobstein disease; Osteogenesis imperfecta type 1; Classic Non-deforming Osteogenesis Imperfecta with Blue Sclerae; Lobstein's Disease; OI, TYPE I; OSTEOGENESIS IMPERFECTA TARDA. Identifiers: Orphanet 216796, Orphanet 666, MedGen C0023931, MONDO:0008146, OMIM 166200. Disease mechanism: loss of function.

Allele frequency attached by ClinVar (database versions not stated): TOPMed below 0.00001; gnomAD 0.00001.
gnomAD v4.1: 2 of 1,613,906 alleles (0.00012%); highest among the groups gnomAD compares: African/African-American, 0.0013%; no homozygotes.

Submissions (2):

Labcorp Genetics (formerly Invitae), Labcorp
Classification: Uncertain significance for Osteogenesis imperfecta type I. Last evaluated: 2023-02-16. Review status: criteria provided, single submitter. Criteria: Invitae Variant Classification Sherloc (09022015). Collection method: clinical testing. Allele origin: germline.
Comment: This sequence change replaces arginine, which is basic and polar, with cysteine, which is neutral and slightly polar, at codon 322 of the COL1A1 protein (p.Arg322Cys). This variant is present in population databases (rs777644312, gnomAD 0.003%). This variant has not been reported in the literature in individuals affected with COL1A1-related conditions. ClinVar contains an entry for this variant (Variation ID: 393245). Advanced modeling of protein sequence and biophysical properties (such as structural, functional, and spatial information, amino acid conservation, physicochemical variation, residue mobility, and thermodynamic stability) performed at Invitae indicates that this missense variant is expected to disrupt COL1A1 protein function. In summary, the available evidence is currently insufficient to determine the role of this variant in disease. Therefore, it has been classified as a Variant of Uncertain Significance.

GeneDx
Classification: Uncertain significance. Last evaluated: 2017-01-31. Review status: criteria provided, single submitter. Criteria: GeneDx Variant Classification (06012015). Collection method: clinical testing. Allele origin: germline. Affected: yes.
Comment: A variant of uncertain significance has been identified in the COL1A1 gene. The R322C variant has not been published as pathogenic or been reported as benign to our knowledge. This variant is not observed at a significant frequency in large population cohorts (Lek et al., 2016; Exome Variant Server). The R322C variant is a non-conservative amino acid substitution, which is likely to impact secondary protein structure as these residues differ in polarity, charge, size and/or other properties. This substitution occurs at a position that is conserved across species. In silico analysis predicts this variant is probably damaging to the protein structure/function. However, while the R322C variant is located in a Gly-X-Y motif in the triple helical region of the COL1A1 gene, it does not affect a Glycine residue in this motif, as the majority of pathogenic missense variants do (Stenson et al., 2014; Symoens et al., 2012).

NM_000088.4(COL1A1):c.964C>T (p.Arg322Cys)

Gene: COL1A1 (collagen type I alpha 1 chain; minus strand). Cytogenetic location: 17q21.33.
Variant type: single nucleotide variant.
Coding change: c.964C>T on transcript NM_000088.4 (MANE Select); coding-DNA position 964, C replaced by T.
Protein change: p.Arg322Cys; replaces arginine 322 with cysteine.
Molecular consequence: missense variant.
Genome position (GRCh38, 1-based): chr17:50,196,193, G>A on the plus strand (C>T on the coding strand, the complement: COL1A1 is on the minus strand). VCF-style: chr17-50196193-G-A. GRCh37 (hg19) VCF-style: chr17-48273554-G-A.
Other names: short protein forms R322C.
Identifiers: ClinVar variation 393245 (VCV000393245.8), dbSNP rs777644312, ClinGen allele CA8645462.